The following is an entry in ClinVar:

ClinVar aggregate classification (germline): Uncertain significance (1 of 4 stars; one submission).

Conditions:
Progressive myoclonic epilepsy type 5. Identifiers: Orphanet 402082, MedGen C5190799.

Allele frequency attached by ClinVar (database versions not stated): gnomAD 0.00001; TOPMed 0.00001.
gnomAD v4.1: 3 of 1,613,948 alleles (0.00019%); highest among the groups gnomAD compares: African/African-American, 0.0027%; no homozygotes.

Submission:

Labcorp Genetics (formerly Invitae), Labcorp
Classification: Uncertain significance for Progressive myoclonic epilepsy type 5. Last evaluated: 2023-10-03. Review status: criteria provided, single submitter. Criteria: Invitae Variant Classification Sherloc (09022015). Collection method: clinical testing. Allele origin: germline.
Comment: This sequence change replaces threonine, which is neutral and polar, with alanine, which is neutral and non-polar, at codon 515 of the PRICKLE2 protein (p.Thr515Ala). This variant is not present in population databases (gnomAD no frequency). This variant has not been reported in the literature in individuals affected with PRICKLE2-related conditions. Advanced modeling of protein sequence and biophysical properties (such as structural, functional, and spatial information, amino acid conservation, physicochemical variation, residue mobility, and thermodynamic stability) performed at Invitae indicates that this missense variant is not expected to disrupt PRICKLE2 protein function. In summary, the available evidence is currently insufficient to determine the role of this variant in disease. Therefore, it has been classified as a Variant of Uncertain Significance.

NM_198859.4(PRICKLE2):c.1543A>G (p.Thr515Ala)

Gene: PRICKLE2 (prickle planar cell polarity protein 2; minus strand). Cytogenetic location: 3p14.1.
Variant type: single nucleotide variant.
Coding change: c.1543A>G on transcript NM_198859.4 (MANE Select); coding-DNA position 1543, A replaced by G.
Protein change: p.Thr515Ala; replaces threonine 515 with alanine.
Molecular consequence: missense variant.
Genome position (GRCh38, 1-based): chr3:64,146,947, T>C on the plus strand (A>G on the coding strand, the complement: PRICKLE2 is on the minus strand). VCF-style: chr3-64146947-T-C. GRCh37 (hg19) VCF-style: chr3-64132623-T-C.
Other names: c.1543A>G, p.Thr515Ala (NM_001370528.1); short protein forms T515A.
Identifiers: ClinVar variation 3014604 (VCV003014604.3), dbSNP rs920205583, ClinGen allele CA75727141.